The following is an entry in ClinVar:

ClinVar aggregate classification (germline): Uncertain significance (1 of 4 stars; one submission).

Conditions:
Neurodevelopmental disorder with hearing loss and spasticity. Identifiers: Orphanet 659975, MedGen C5562024, MONDO:0859206, OMIM 619616.

Submission:

Diagnostics Services (NGS), CSIR - Centre For Cellular And Molecular Biology
Classification: Uncertain significance for Neurodevelopmental disorder with hearing loss and spasticity. Last evaluated: 2023-10-11. Review status: criteria provided, single submitter. Criteria: ACMG Guidelines, 2015. Collection method: clinical testing. Allele origin: germline. Affected: yes. Observed: 1 variant allele, 1 homozygote.
Comment: The c.1526G>T variant is not present in publicly available population databases like 1000 Genomes, EVS, ExAC, gnomAD, Indian Exome Database or our in-house exome database. This variant has neither been published in literature in individuals affected with AFG2B-related conditions nor reported to the clinical databases like ClinVar, Human Genome Mutation Database (HGMD) or OMIM, in any affected individuals. In-silico pathogenicity prediction programs like SIFT, PolyPhen-2, MutationTaster2, CADD, Varsome, Franklin etc predicted this variant to be likely deleterious, however these predictions were not confirmed by published functional studies.

NM_024063.3(AFG2B):c.1526G>T (p.Cys509Phe)

Gene: AFG2B (AFG2 AAA ATPase homolog B; plus strand). Cytogenetic location: 15q21.1.
Variant type: single nucleotide variant.
Coding change: c.1526G>T on transcript NM_024063.3 (MANE Select); coding-DNA position 1526, G replaced by T.
Protein change: p.Cys509Phe; replaces cysteine 509 with phenylalanine.
Molecular consequence: missense variant. On other transcripts: non-coding transcript variant (5).
Genome position (GRCh38, 1-based): chr15:45,414,662, G>T. VCF-style: chr15-45414662-G-T. GRCh37 (hg19) VCF-style: chr15-45706860-G-T.
Other names: c.1526G>T, p.Cys509Phe (NM_001323640.2); short protein forms C509F.
Identifiers: ClinVar variation 2583169 (VCV002583169.1), dbSNP rs2542067753, ClinGen allele CA392268858.